The following is an entry in ClinVar:

ClinVar aggregate classification (germline): Uncertain significance (1 of 4 stars; one submission).

Conditions:
Lipoic acid synthetase deficiency. Also called: HYPERGLYCINEMIA, LACTIC ACIDOSIS, AND SEIZURES. Identifiers: Orphanet 401859, MedGen C3280887, MONDO:0013762, OMIM 614462.

Allele frequency attached by ClinVar (database versions not stated): gnomAD exomes below 0.00001.
gnomAD v4.1: 3 of 1,560,356 alleles (0.00019%); highest among the groups gnomAD compares: Non-Finnish European, 0.00026%; no homozygotes.

Submission:

Labcorp Genetics (formerly Invitae), Labcorp
Classification: Uncertain significance for Lipoic acid synthetase deficiency. Last evaluated: 2020-03-04. Review status: criteria provided, single submitter. Criteria: Invitae Variant Classification Sherloc (09022015). Collection method: clinical testing. Allele origin: germline.
Comment: This sequence change replaces lysine with arginine at codon 81 of the LIAS protein (p.Lys81Arg). The lysine residue is highly conserved and there is a small physicochemical difference between lysine and arginine. This variant is not present in population databases (ExAC no frequency). This variant has not been reported in the literature in individuals with LIAS-related conditions. Algorithms developed to predict the effect of missense changes on protein structure and function (SIFT, PolyPhen-2, Align-GVGD) all suggest that this variant is likely to be tolerated, but these predictions have not been confirmed by published functional studies and their clinical significance is uncertain. In summary, the available evidence is currently insufficient to determine the role of this variant in disease. Therefore, it has been classified as a Variant of Uncertain Significance.

NM_006859.4(LIAS):c.242A>G (p.Lys81Arg)

Gene: LIAS (lipoic acid synthetase; plus strand). Cytogenetic location: 4p14.
Variant type: single nucleotide variant.
Coding change: c.242A>G on transcript NM_006859.4 (MANE Select); coding-DNA position 242, A replaced by G.
Protein change: p.Lys81Arg; replaces lysine 81 with arginine.
Molecular consequence: missense variant. On other transcripts: intron variant (2).
Genome position (GRCh38, 1-based): chr4:39,462,219, A>G. VCF-style: chr4-39462219-A-G. GRCh37 (hg19) VCF-style: chr4-39463839-A-G.
Other names: c.242A>G, p.Lys81Arg (NM_001278590.2, NM_001278591.2, NM_194451.3); c.218+1257A>G (NM_001363700.2, NM_001278592.2); short protein forms K81R.
Identifiers: ClinVar variation 1037491 (VCV001037491.8), dbSNP rs1744535027, ClinGen allele CA356663980.
Genomic context (GRCh38, chr4:39,462,219, plus strand): 5'-TATTTGTTAATAGATAGTTATGTTTGGCTTTCCTTAGGTTAAGACTACCTCCATGGCTAA[A>G]GACAGAGATTCCCATGGGGAAAAATTACAATAAACTGAAAAATACTTTGCGGAATTTAAA-3'
Protein context (NP_006850.2, residues 71-91): GERLRLPPWL[Lys81Arg]TEIPMGKNYN